The following is an entry in ClinVar:

NM_020693.4(DSCAML1):c.2020G>A (p.Ala674Thr)

Gene: DSCAML1 (DS cell adhesion molecule like 1; minus strand). Cytogenetic location: 11q23.3.
Variant type: single nucleotide variant.
Coding change: c.2020G>A on transcript NM_020693.4 (MANE Select); coding-DNA position 2020, G replaced by A.
Protein change: p.Ala674Thr; replaces alanine 674 with threonine.
Molecular consequence: missense variant.
Genome position (GRCh38, 1-based): chr11:117,505,496, C>T on the plus strand (G>A on the coding strand, the complement: DSCAML1 is on the minus strand). VCF-style: chr11-117505496-C-T. GRCh37 (hg19) VCF-style: chr11-117376211-C-T.
Other names: c.2020G>A, p.Ala674Thr (NM_001367904.1); short protein forms A674T.
Identifiers: ClinVar variation 1387833 (VCV001387833.6), dbSNP rs149074766, ClinGen allele CA6297126.
Genomic context (GRCh38, chr11:117,505,496, plus strand): 5'-TGGCCTGTCCCTGCTCACCACGCACGATGAGCTGGCGCTCCCGGCTCACGGTGGCGGCTG[C>T]GTTGCTGGCGATGCATGTATAGTTGCCGTTGTGCTTGAGGGAGACGCTAGAGATCTGCAG-3'
Protein context (NP_065744.3, residues 664-684): NGNYTCIASN[Ala674Thr]AATVSRERQL

ClinVar aggregate classification (germline): Uncertain significance (1 of 4 stars; one submission).

Allele frequency attached by ClinVar (database versions not stated): 1000 Genomes Project 30x 0.00016; 1000 Genomes Project 0.00020; gnomAD 0.00030 and 0.00032; ExAC 0.00033; gnomAD exomes 0.00034; TOPMed 0.00041; ESP Exome Variant Server 0.00069.
gnomAD v4.1: 599 of 1,612,746 alleles (0.037%); highest among the groups gnomAD compares: Middle Eastern, 0.066%; 1 homozygote.

Submission:

Labcorp Genetics (formerly Invitae), Labcorp
Classification: Uncertain significance. Last evaluated: 2025-10-14. Review status: criteria provided, single submitter. Criteria: Invitae Variant Classification Sherloc (09022015). Collection method: clinical testing. Allele origin: germline.
Comment: This sequence change replaces alanine, which is neutral and non-polar, with threonine, which is neutral and polar, at codon 734 of the DSCAML1 protein (p.Ala734Thr). This variant is present in population databases (rs149074766, gnomAD 0.05%), and has an allele count higher than expected for a pathogenic variant. This variant has not been reported in the literature in individuals affected with DSCAML1-related conditions. ClinVar contains an entry for this variant (Variation ID: 1387833). An algorithm developed to predict the effect of missense changes on protein structure and function outputs the following: PolyPhen-2: "Benign". The threonine amino acid residue is found in multiple mammalian species, which suggests that this missense change does not adversely affect protein function. In summary, the available evidence is currently insufficient to determine the role of this variant in disease. Therefore, it has been classified as a Variant of Uncertain Significance.